The following is an entry in ClinVar:

NM_058195.4(CDKN2A):c.181C>A (p.Pro61Thr)

Gene: CDKN2A (cyclin dependent kinase inhibitor 2A; minus strand). Cytogenetic location: 9p21.3.
Variant type: single nucleotide variant.
Coding change: c.181C>A on transcript NM_058195.4 (MANE Plus Clinical); coding-DNA position 181, C replaced by A.
Protein change: p.Pro61Thr; replaces proline 61 with threonine.
Molecular consequence: missense variant. On other transcripts: intron variant (1).
Genome position (GRCh38, 1-based): chr9:21,994,151, G>T on the plus strand (C>A on the coding strand, the complement: CDKN2A is on the minus strand). VCF-style: chr9-21994151-G-T. GRCh37 (hg19) VCF-style: chr9-21994150-G-T.
Other names: c.-4+670C>A (NM_001363763.2); short protein forms P61T.
Identifiers: ClinVar variation 3830985 (VCV003830985.1).
Genomic context (GRCh38, chr9:21,994,151, plus strand): 5'-CAAAACAAGTGCCGAATGCGCCCCGGACTTTTCGAGGGCCTTTCCTACCTGGTCTTCTAG[G>T]AAGCGGCTGCTGCCCTAGACGCTGGCTCCTCAGTAGCATCAGCACGAGGGCCACAGCGGC-3'
Protein context (NP_478102.2, residues 51-71): RSQRLGQQPL[Pro61Thr]RRPGHDDGQR

ClinVar aggregate classification (germline): Uncertain significance (1 of 4 stars; one submission).

Conditions:
Hereditary cancer-predisposing syndrome. Also called: Neoplastic Syndromes, Hereditary; Tumor predisposition; Hereditary Cancer Syndrome; Hereditary neoplastic syndrome. Identifiers: Orphanet 140162, MedGen C0027672, MeSH D009386, MONDO:0015356.

gnomAD v4.1: 2 of 1,601,800 alleles (0.00012%); highest among the groups gnomAD compares: Non-Finnish European, 0.00017%; no homozygotes.

Submission:

Ambry Genetics
Classification: Uncertain significance for Hereditary cancer-predisposing syndrome. Last evaluated: 2025-02-25. Review status: criteria provided, single submitter. Criteria: Ambry Variant Classification Scheme 2023. Collection method: clinical testing. Allele origin: germline.
Comment: The p.P61T variant (also known as c.181C>A), located in coding exon 1 of the CDKN2A p14(ARF) gene, results from a C to A substitution at nucleotide position 181. The proline at codon 61 is replaced by threonine, an amino acid with highly similar properties. This amino acid position is well conserved in available vertebrate species. In addition, the in silico prediction for this alteration is inconclusive. Based on the available evidence, the clinical significance of this variant remains unclear.